The following is an entry in ClinVar:

ClinVar aggregate classification (germline): Uncertain significance (1 of 4 stars; one submission).

Conditions:
PRKCB-related disorder. Also called: PRKCB-related condition.

gnomAD v4.1: 136 of 1,613,952 alleles (0.0084%); highest among the groups gnomAD compares: Middle Eastern, 0.033%; no homozygotes.

Submission:

PreventionGenetics, part of Exact Sciences
Classification: Uncertain significance for PRKCB-related condition. Last evaluated: 2026-05-07. Review status: criteria provided, single submitter. Criteria: ACMG Guidelines, 2015. Collection method: clinical testing. Allele origin: germline.
Comment: The PRKCB c.1672G>A variant is predicted to result in the amino acid substitution p.Val558Ile. To our knowledge, this variant has not been reported in the literature. This variant is reported in 0.011% of alleles in individuals of European (Non-Finnish) descent in gnomAD. At this time, the clinical significance of this variant is uncertain due to the absence of conclusive functional and genetic evidence.

NM_002738.7(PRKCB):c.1672G>A (p.Val558Ile)

Gene: PRKCB (protein kinase C beta; plus strand). Cytogenetic location: 16p12.2.
Variant type: single nucleotide variant.
Coding change: c.1672G>A on transcript NM_002738.7 (MANE Select); coding-DNA position 1672, G replaced by A.
Protein change: p.Val558Ile; replaces valine 558 with isoleucine.
Molecular consequence: missense variant.
Genome position (GRCh38, 1-based): chr16:24,185,517, G>A. VCF-style: chr16-24185517-G-A. GRCh37 (hg19) VCF-style: chr16-24196838-G-A.
Other names: c.1672G>A, p.Val558Ile (NM_212535.3); short protein forms V558I.
Identifiers: ClinVar variation 4979152 (VCV004979152.1).
Genomic context (GRCh38, chr16:24,185,517, plus strand): 5'-CAGGCACCCTTTGAAGGGGAGGATGAAGATGAACTCTTCCAATCCATCATGGAACACAAC[G>A]TAGCCTATCCCAAGTCTATGTCCAAGGAAGCTGTGGCCATCTGCAAAGGGGTAAGTGCAT-3'
Protein context (NP_002729.2, residues 548-568): ELFQSIMEHN[Val558Ile]AYPKSMSKEA